The following is an entry in ClinVar:

NM_005732.4(RAD50):c.783T>A (p.Asn261Lys)

Gene: RAD50 (RAD50 double strand break repair protein; plus strand). Cytogenetic location: 5q31.1.
Variant type: single nucleotide variant.
Coding change: c.783T>A on transcript NM_005732.4 (MANE Select); coding-DNA position 783, T replaced by A.
Protein change: p.Asn261Lys; replaces asparagine 261 with lysine.
Molecular consequence: missense variant.
Genome position (GRCh38, 1-based): chr5:132,587,588, T>A. VCF-style: chr5-132587588-T-A. GRCh37 (hg19) VCF-style: chr5-131923280-T-A.
Other names: short protein forms N261K.
Identifiers: ClinVar variation 2041233 (VCV002041233.4), dbSNP rs2149840411, ClinGen allele CA360940080.

ClinVar aggregate classification (germline): Uncertain significance (1 of 4 stars; one submission).

Conditions:
Hereditary cancer-predisposing syndrome. Also called: Neoplastic Syndromes, Hereditary; Hereditary Cancer Syndrome; Tumor predisposition; Hereditary neoplastic syndrome. Identifiers: Orphanet 140162, MedGen C0027672, MeSH D009386, MONDO:0015356.

Submission:

Labcorp Genetics (formerly Invitae), Labcorp
Classification: Uncertain significance for Hereditary cancer-predisposing syndrome. Last evaluated: 2021-12-13. Review status: criteria provided, single submitter. Criteria: Invitae Variant Classification Sherloc (09022015). Collection method: clinical testing. Allele origin: germline.
Comment: In summary, the available evidence is currently insufficient to determine the role of this variant in disease. Therefore, it has been classified as a Variant of Uncertain Significance. This variant has not been reported in the literature in individuals affected with RAD50-related conditions. This sequence change replaces asparagine, which is neutral and polar, with lysine, which is basic and polar, at codon 261 of the RAD50 protein (p.Asn261Lys). This variant is not present in population databases (gnomAD no frequency). Algorithms developed to predict the effect of missense changes on protein structure and function (SIFT, PolyPhen-2, Align-GVGD) all suggest that this variant is likely to be tolerated.